The following is an entry in ClinVar:

ClinVar aggregate classification (germline): Uncertain significance (1 of 4 stars; one submission).

Allele frequency attached by ClinVar (database versions not stated): gnomAD exomes 0.00001.

Submission:

Labcorp Genetics (formerly Invitae), Labcorp
Classification: Uncertain significance. Last evaluated: 2025-03-20. Review status: criteria provided, single submitter. Criteria: Invitae Variant Classification Sherloc (09022015). Collection method: clinical testing. Allele origin: germline.
Comment: This sequence change replaces arginine, which is basic and polar, with tryptophan, which is neutral and slightly polar, at codon 441 of the MICAL1 protein (p.Arg441Trp). This variant is present in population databases (rs200615812, gnomAD 0.002%). This variant has not been reported in the literature in individuals affected with MICAL1-related conditions. ClinVar contains an entry for this variant (Variation ID: 2969642). An algorithm developed to predict the effect of missense changes on protein structure and function (PolyPhen-2) suggests that this variant is likely to be disruptive. In summary, the available evidence is currently insufficient to determine the role of this variant in disease. Therefore, it has been classified as a Variant of Uncertain Significance.

NM_022765.4(MICAL1):c.1264C>T (p.Arg422Trp)

Gene: MICAL1 (microtubule associated monooxygenase, calponin and LIM domain containing 1; minus strand). Cytogenetic location: 6q21.
Variant type: single nucleotide variant.
Coding change: c.1264C>T on transcript NM_022765.4 (MANE Select); coding-DNA position 1264, C replaced by T.
Protein change: p.Arg422Trp; replaces arginine 422 with tryptophan.
Molecular consequence: missense variant.
Genome position (GRCh38, 1-based): chr6:109,450,013, G>A on the plus strand (C>T on the coding strand, the complement: MICAL1 is on the minus strand). VCF-style: chr6-109450013-G-A. GRCh37 (hg19) VCF-style: chr6-109771216-G-A.
Other names: c.1321C>T, p.Arg441Trp (NM_001286613.2); c.1006C>T, p.Arg336Trp (NM_001159291.2); short protein forms R336W, R441W, R422W.
Identifiers: ClinVar variation 2969642 (VCV002969642.3), dbSNP rs200615812, ClinGen allele CA3953458.